The following is an entry in ClinVar:

ClinVar aggregate classification (germline): Uncertain significance (1 of 4 stars; one submission).

Allele frequency attached by ClinVar (database versions not stated): TOPMed below 0.00001; gnomAD exomes 0.00001.
gnomAD v4.1: 8 of 1,613,586 alleles (0.0005%); highest among the groups gnomAD compares: Non-Finnish European, 0.00068%; no homozygotes.

Submission:

Labcorp Genetics (formerly Invitae), Labcorp
Classification: Uncertain significance. Last evaluated: 2022-09-15. Review status: criteria provided, single submitter. Criteria: Invitae Variant Classification Sherloc (09022015). Collection method: clinical testing. Allele origin: germline.
Comment: This sequence change replaces threonine, which is neutral and polar, with alanine, which is neutral and non-polar, at codon 229 of the TFRC protein (p.Thr229Ala). This variant is not present in population databases (gnomAD no frequency). This variant has not been reported in the literature in individuals affected with TFRC-related conditions. Algorithms developed to predict the effect of missense changes on protein structure and function (SIFT, PolyPhen-2, Align-GVGD) all suggest that this variant is likely to be tolerated. In summary, the available evidence is currently insufficient to determine the role of this variant in disease. Therefore, it has been classified as a Variant of Uncertain Significance.

NM_001128148.3(TFRC):c.685A>G (p.Thr229Ala)

Gene: TFRC (transferrin receptor; minus strand). Cytogenetic location: 3q29.
Variant type: single nucleotide variant.
Coding change: c.685A>G on transcript NM_001128148.3 (MANE Select); coding-DNA position 685, A replaced by G.
Protein change: p.Thr229Ala; replaces threonine 229 with alanine.
Molecular consequence: missense variant. On other transcripts: 5 prime UTR variant (1).
Genome position (GRCh38, 1-based): chr3:196,071,398, T>C on the plus strand (A>G on the coding strand, the complement: TFRC is on the minus strand). VCF-style: chr3-196071398-T-C. GRCh37 (hg19) VCF-style: chr3-195798269-T-C.
Other names: c.442A>G, p.Thr148Ala (NM_001313965.2); c.-162A>G (NM_001313966.2); c.685A>G, p.Thr229Ala (NM_003234.4); short protein forms T148A, T229A.
Identifiers: ClinVar variation 2183199 (VCV002183199.4), dbSNP rs867646380, ClinGen allele CA90758176.